The following is an entry in ClinVar:

NM_005956.4(MTHFD1):c.443C>T (p.Thr148Met)

Gene: MTHFD1 (methylenetetrahydrofolate dehydrogenase, cyclohydrolase and formyltetrahydrofolate synthetase 1; plus strand). Cytogenetic location: 14q23.3.
Variant type: single nucleotide variant.
Coding change: c.443C>T on transcript NM_005956.4 (MANE Select); coding-DNA position 443, C replaced by T.
Protein change: p.Thr148Met; replaces threonine 148 with methionine.
Molecular consequence: missense variant.
Genome position (GRCh38, 1-based): chr14:64,415,704, C>T. VCF-style: chr14-64415704-C-T. GRCh37 (hg19) VCF-style: chr14-64882422-C-T.
Other names: c.443C>T, p.Thr148Met (NM_001364837.1); short protein forms T148M.
Identifiers: ClinVar variation 1953090 (VCV001953090.2), dbSNP rs981354891, ClinGen allele CA261829023.

ClinVar aggregate classification (germline): Uncertain significance (1 of 4 stars; one submission).

Allele frequency attached by ClinVar (database versions not stated): TOPMed below 0.00001; gnomAD 0.00001; gnomAD exomes 0.00001.

Submission:

Labcorp Genetics (formerly Invitae), Labcorp
Classification: Uncertain significance. Last evaluated: 2022-02-21. Review status: criteria provided, single submitter. Criteria: Invitae Variant Classification Sherloc (09022015). Collection method: clinical testing. Allele origin: germline.
Comment: This sequence change replaces threonine, which is neutral and polar, with methionine, which is neutral and non-polar, at codon 148 of the MTHFD1 protein (p.Thr148Met). This variant is present in population databases (no rsID available, gnomAD 0.002%). This variant has not been reported in the literature in individuals affected with MTHFD1-related conditions. Algorithms developed to predict the effect of missense changes on protein structure and function (SIFT, PolyPhen-2, Align-GVGD) all suggest that this variant is likely to be disruptive. In summary, the available evidence is currently insufficient to determine the role of this variant in disease. Therefore, it has been classified as a Variant of Uncertain Significance.